The following is an entry in ClinVar:

ClinVar aggregate classification (germline): Uncertain significance (1 of 4 stars; one submission).

Conditions:
Inborn genetic diseases. Identifiers: MedGen C0950123, MeSH D030342.

Submission:

Ambry Genetics
Classification: Uncertain significance for Inborn genetic diseases. Last evaluated: 2024-05-26. Review status: criteria provided, single submitter. Criteria: Ambry Variant Classification Scheme 2023. Collection method: clinical testing. Allele origin: germline.
Comment: The p.N242K variant (also known as c.726T>A), located in coding exon 7 of the DPYD gene, results from a T to A substitution at nucleotide position 726. The asparagine at codon 242 is replaced by lysine, an amino acid with similar properties. This amino acid position is conserved. In addition, this alteration is predicted to be tolerated by in silico analysis. Based on the available evidence, the clinical significance of this variant remains unclear.

NM_000110.4(DPYD):c.726T>A (p.Asn242Lys)

Gene: DPYD (dihydropyrimidine dehydrogenase; minus strand). Cytogenetic location: 1p21.3.
Variant type: single nucleotide variant.
Coding change: c.726T>A on transcript NM_000110.4 (MANE Select); coding-DNA position 726, T replaced by A.
Protein change: p.Asn242Lys; replaces asparagine 242 with lysine.
Molecular consequence: missense variant.
Genome position (GRCh38, 1-based): chr1:97,691,753, A>T on the plus strand (T>A on the coding strand, the complement: DPYD is on the minus strand). VCF-style: chr1-97691753-A-T. GRCh37 (hg19) VCF-style: chr1-98157309-A-T.
Other names: short protein forms N242K.
Identifiers: ClinVar variation 3273697 (VCV003273697.1).
Genomic context (GRCh38, chr1:97,691,753, plus strand): 5'-CAGATAGGTGTTTTTTTCATTTACCTTTACACCAAGGTCCTTCATTAGCTCAATCTCAAA[A>T]TTCACTACATCATACGGCAGCCGGAACTGAGGAATTTCAGAAGTACTGAAAAGAAAGGAG-3'
Protein context (NP_000101.2, residues 232-252): PQFRLPYDVV[Asn242Lys]FEIELMKDLG